The following is an entry in ClinVar:

ClinVar aggregate classification (germline): Uncertain significance. Review status: criteria provided, multiple submitters, no conflicts (2 of 4 stars). 5 submissions from 5 submitters: Uncertain significance (5). Last evaluated 2023-10-21.

Conditions:
Autosomal recessive ataxia, Beauce type. Also called: Spinocerebellar ataxia, autosomal recessive 8; ATAXIA, RECESSIVE, OF BEAUCE; SYNE1 Deficiency; SYNE1-Related Autosomal Recessive Cerebellar Ataxia. Identifiers: Orphanet 88644, MedGen C1853116, MONDO:0012549, OMIM 610743.
Emery-Dreifuss muscular dystrophy 4, autosomal dominant (EDMD4). Also called: EMERY-DREIFUSS MUSCULAR DYSTROPHY 4 WITH VARIABLE FEATURES. Identifiers: Orphanet 261, MedGen C2751807, MONDO:0013071, OMIM 612998.

Allele frequency attached by ClinVar (database versions not stated): 1000 Genomes Project 0.00020; TOPMed 0.00003; gnomAD 0.00006; 1000 Genomes Project 30x 0.00016.

Submissions (5):

Athena Diagnostics
Classification: Uncertain significance. Last evaluated: 2023-10-21. Review status: criteria provided, single submitter. Criteria: Athena Diagnostics Criteria. Collection method: clinical testing. Allele origin: unknown.
Comment: Available data are insufficient to determine the clinical significance of the variant at this time. The frequency of this variant in the general population is uninformative in assessment of its pathogenicity. Computational tools predict that this variant is not damaging.

Labcorp Genetics (formerly Invitae), Labcorp
Classification: Uncertain significance for Emery-Dreifuss muscular dystrophy 4, autosomal dominant; Autosomal recessive ataxia, Beauce type. Last evaluated: 2023-08-02. Review status: criteria provided, single submitter. Criteria: Invitae Variant Classification Sherloc (09022015). Collection method: clinical testing. Allele origin: germline.
Comment: In summary, the available evidence is currently insufficient to determine the role of this variant in disease. Therefore, it has been classified as a Variant of Uncertain Significance. An algorithm developed to predict the effect of missense changes on protein structure and function (PolyPhen-2) suggests that this variant¬†is likely to be tolerated. ClinVar contains an entry for this variant (Variation ID: 618408). This variant has not been reported in the literature in individuals affected with SYNE1-related conditions. This variant is present in population databases (rs143900928, gnomAD 0.02%). This sequence change replaces arginine, which is basic and polar, with glutamine, which is neutral and polar, at codon 82 of the SYNE1 protein (p.Arg82Gln).

Revvity Omics, Revvity
Classification: Uncertain significance. Last evaluated: 2023-04-24. Review status: criteria provided, single submitter. Criteria: ACMG Guidelines, 2015. Collection method: clinical testing. Allele origin: germline.

Genetic Services Laboratory, University of Chicago
Classification: Uncertain significance. Last evaluated: 2021-09-23. Review status: criteria provided, single submitter. Criteria: ACMG Guidelines, 2015. Collection method: clinical testing. Allele origin: germline. Affected: no.
Comment: DNA sequence analysis of the SYNE1 gene demonstrated two sequence changes in this gene. The first sequence change, c.245G>A, in exon 5 that results in an amino acid change, p.Arg82Gln. This sequence change does not appear to have been previously described in individuals with SYNE1-related disorders. This sequence change has been described in the gnomAD database with a frequency of 0.015% in the East Asian subpopulation (dbSNP rs143900928). The p.Arg82Gln change affects a poorly conserved amino acid residue located in a domain of the SYNE1 protein that is known to be functional. The p.Arg82Gln substitution appears to be benign using several in-silico pathogenicity prediction tools (SIFT, PolyPhen2, Align GVGD, REVEL). Due to insufficient evidence and the lack of functional studies, the clinical significance of the p.Arg82Gln change remains unknown at this time.

ARUP Laboratories, Molecular Genetics and Genomics, ARUP Laboratories
Classification: Uncertain significance. Last evaluated: 2017-09-05. Review status: criteria provided, single submitter. Criteria: ARUP Molecular Germline Variant Investigation Process. Collection method: clinical testing. Allele origin: germline.
Comment: The p.Arg82Gln variant (rs143900928) has not been reported in the medical literature. This variant is listed in the Genome Aggregation Database (gnomAD) browser with an allele frequency of 0.016% in the East Asian population (identified in 3 out of 18852 chromosomes; 0 homozygotes), and is listed in ClinVar with conflicting interpretations of pathogenicity (Variant ID: 285644). The arginine at codon 82 is weakly conserved considering 12 species (Alamut software v2.9.0), and computational analyses predict conflicting effects of this variant on protein structure/function (SIFT: tolerated, PolyPhen2: benign, MutationTaster: disease causing). Based on the available information, the clinical significance of the p.Arg82Gln variant cannot be determined with certainty.

NM_182961.4(SYNE1):c.245G>A (p.Arg82Gln)

Gene: SYNE1 (spectrin repeat containing nuclear envelope protein 1; minus strand). Cytogenetic location: 6q25.2.
Variant type: single nucleotide variant.
Coding change: c.245G>A on transcript NM_182961.4 (MANE Select); coding-DNA position 245, G replaced by A.
Protein change: p.Arg82Gln; replaces arginine 82 with glutamine.
Molecular consequence: missense variant.
Genome position (GRCh38, 1-based): chr6:152,520,523, C>T on the plus strand (G>A on the coding strand, the complement: SYNE1 is on the minus strand). VCF-style: chr6-152520523-C-T. GRCh37 (hg19) VCF-style: chr6-152841658-C-T.
Other names: c.245G>A (NM_182961.2); c.245G>A, p.Arg82Gln (NM_033071.5); short protein forms R82Q.
Identifiers: ClinVar variation 618408 (VCV000618408.17), dbSNP rs143900928, ClinGen allele CA4059819.